The following is an entry in ClinVar:

NM_199242.3(UNC13D):c.2828A>G (p.Asn943Ser)

Genes: UNC13D (unc-13 homolog D; minus strand), LOC112533672 (Sharpr-MPRA regulatory region 1193; plus strand). Cytogenetic location: 17q25.1.
Variant type: single nucleotide variant.
Coding change: c.2828A>G on transcript NM_199242.3 (MANE Select); coding-DNA position 2828, A replaced by G.
Protein change: p.Asn943Ser; replaces asparagine 943 with serine.
Molecular consequence: missense variant.
Genome position (GRCh38, 1-based): chr17:75,830,364, T>C on the plus strand (A>G on the coding strand, the complement: UNC13D is on the minus strand). VCF-style: chr17-75830364-T-C. GRCh37 (hg19) VCF-style: chr17-73826445-T-C.
Other names: short protein forms N943S.
Identifiers: ClinVar variation 533103 (VCV000533103.14), dbSNP rs147748627, ClinGen allele CA8772379.

ClinVar aggregate classification (germline): Conflicting classifications of pathogenicity. Review status: criteria provided, conflicting classifications (1 of 4 stars). 3 submissions from 3 submitters: Uncertain significance (2); Likely benign (1). Last evaluated 2026-01-27.

Conditions:
Familial hemophagocytic lymphohistiocytosis 3 (FHL3). Also called: UNC13D-Related Familial Hemophagocytic Lymphohistiocytosis (UNC13D-fHLH). Identifiers: Orphanet 540, MedGen C1837174, MONDO:0012146, OMIM 608898.
UNC13D-related disorder. Also called: UNC13D-related condition.

Allele frequency attached by ClinVar (database versions not stated): gnomAD exomes 0.00041 and 0.00053; 1000 Genomes Project 30x 0.00078; 1000 Genomes Project 0.00080; ExAC 0.00106; gnomAD 0.00155 and 0.00158; TOPMed 0.00173; ESP Exome Variant Server 0.00200.
gnomAD v4.1: 849 of 1,593,638 alleles (0.053%); highest among the groups gnomAD compares: African/African-American, 0.46%; no homozygotes.

Submissions (3):

Labcorp Genetics (formerly Invitae), Labcorp
Classification: Likely benign for Familial hemophagocytic lymphohistiocytosis 3. Last evaluated: 2026-01-27. Review status: criteria provided, single submitter. Criteria: Invitae Variant Classification Sherloc (09022015). Collection method: clinical testing. Allele origin: germline.

PreventionGenetics, part of Exact Sciences
Classification: Uncertain significance for UNC13D-related condition. Last evaluated: 2025-12-04. Review status: criteria provided, single submitter. Criteria: ACMG Guidelines, 2015. Collection method: clinical testing. Allele origin: germline.
Comment: The UNC13D c.2828A>G variant is predicted to result in the amino acid substitution p.Asn943Ser. This variant has been reported in two individuals with hemophagocytic lymphohistiocytosis who also had variants in STXBP2 (Patient ID P24 and P25Zhang et al. 2014. PubMed ID: 24916509). This variant is reported in 0.54% of alleles in individuals of African descent, including one homozygote, in gnomAD, which may be too common to be causative. Although we suspect that this variant may be benign, at this time, the clinical significance of this variant is uncertain due to the absence of conclusive functional and genetic evidence.

GeneDx
Classification: Uncertain significance. Last evaluated: 2025-09-27. Review status: criteria provided, single submitter. Criteria: GeneDx Variant Classification Process June 2021. Collection method: clinical testing. Allele origin: germline.
Comment: Observed as a single heterozygous variant in two patients with a clinically suspected diagnosis of hemophagocytic lymphohistiocytosis both of whom also harbored a heterozygous variant in the STXBP2 gene (PMID: 24916509); In silico analysis supports that this missense variant has a deleterious effect on protein structure/function; This variant is associated with the following publications: (PMID: 36681659, 24916509, 34868048)